The following is an entry in ClinVar:

NM_000722.4(CACNA2D1):c.2309-3T>A

Gene: CACNA2D1 (calcium voltage-gated channel auxiliary subunit alpha2delta 1; minus strand). Cytogenetic location: 7q21.11.
Variant type: single nucleotide variant.
Coding change: c.2309-3T>A on transcript NM_000722.4 (MANE Select); 3 bases into the intron before coding-DNA position 2309, T replaced by A.
Molecular consequence: intron variant.
Genome position (GRCh38, 1-based): chr7:81,968,976, A>T on the plus strand (T>A on the coding strand, the complement: CACNA2D1 is on the minus strand). VCF-style: chr7-81968976-A-T. GRCh37 (hg19) VCF-style: chr7-81598292-A-T.
Other names: c.2345-3T>A (NM_001366867.1).
Identifiers: ClinVar variation 2853210 (VCV002853210.3), dbSNP rs762328666, ClinGen allele CA2739266503.
Genomic context (GRCh38, chr7:81,968,976, plus strand): 5'-TATATTTCTACAGCTTTGCTTACCATAATGCCCGATTCATAGGCACCAGGTCCACTTTCT[A>T]AAAAAAAAATAAATAAATAAAACACCTATCAAGATATATTGAATAATAATATTGATTTTC-3'

ClinVar aggregate classification (germline): Uncertain significance (1 of 4 stars; one submission).

Conditions:
Brugada syndrome. Also called: Sudden unexpected nocturnal death syndrome; Sudden unexplained nocturnal death syndrome; Sudden Unexplained Death Syndrome; Sudden Unexplained Nocturnal Death Syndrome (SUNDS). Identifiers: Orphanet 130, MedGen C1142166, MONDO:0015263.

Submission:

Labcorp Genetics (formerly Invitae), Labcorp
Classification: Uncertain significance for Brugada syndrome. Last evaluated: 2023-04-07. Review status: criteria provided, single submitter. Criteria: Invitae Variant Classification Sherloc (09022015). Collection method: clinical testing. Allele origin: germline.
Comment: In summary, the available evidence is currently insufficient to determine the role of this variant in disease. Therefore, it has been classified as a Variant of Uncertain Significance. Variants that disrupt the consensus splice site are a relatively common cause of aberrant splicing (PMID: 17576681, 9536098). Algorithms developed to predict the effect of sequence changes on RNA splicing suggest that this variant may create or strengthen a splice site. This variant has not been reported in the literature in individuals affected with CACNA2D1-related conditions. This variant is not present in population databases (gnomAD no frequency). This sequence change falls in intron 28 of the CACNA2D1 gene. It does not directly change the encoded amino acid sequence of the CACNA2D1 protein. It affects a nucleotide within the consensus splice site.

Literature cited by the submitters: PubMed 17576681; PubMed 9536098.